The following is an entry in ClinVar:

NM_201384.3(PLEC):c.11641C>T (p.Arg3881Cys)

Gene: PLEC (plectin; minus strand). Cytogenetic location: 8q24.3.
Variant type: single nucleotide variant.
Coding change: c.11641C>T on transcript NM_201384.3 (MANE Select); coding-DNA position 11641, C replaced by T.
Protein change: p.Arg3881Cys; replaces arginine 3881 with cysteine.
Molecular consequence: missense variant.
Genome position (GRCh38, 1-based): chr8:143,918,180, G>A on the plus strand (C>T on the coding strand, the complement: PLEC is on the minus strand). VCF-style: chr8-143918180-G-A. GRCh37 (hg19) VCF-style: chr8-144992348-G-A.
Other names: c.11722C>T (NM_000445.3); c.11722C>T, p.Arg3908Cys (NM_000445.5); c.11599C>T, p.Arg3867Cys (NM_201378.4); c.11575C>T, p.Arg3859Cys (NM_201379.3); c.12052C>T, p.Arg4018Cys (NM_201380.4); c.11545C>T, p.Arg3849Cys (NM_201381.3); c.11641C>T, p.Arg3881Cys (NM_201382.4); c.11653C>T, p.Arg3885Cys (NM_201383.3); short protein forms R3867C, R3849C, R3881C, R3885C, R4018C, R3908C, R3859C.
Identifiers: ClinVar variation 863281 (VCV000863281.14), dbSNP rs577333649, ClinGen allele CA4924280.

ClinVar aggregate classification (germline): Conflicting classifications of pathogenicity. Review status: criteria provided, conflicting classifications (1 of 4 stars). 7 submissions from 7 submitters: Uncertain significance (6); Likely benign (1). Last evaluated 2026-03-26.

Conditions:
PLEC-related disorder. Also called: PLEC-related condition; PLEC-related disorders.
Autosomal recessive limb-girdle muscular dystrophy type 2Q (LGMDR17). Also called: MUSCULAR DYSTROPHY, LIMB-GIRDLE, AUTOSOMAL RECESSIVE 17. Identifiers: Orphanet 254361, MedGen C3150989, MONDO:0013390, OMIM 613723.
Epidermolysis bullosa simplex, Ogna type (EBS5A). Also called: Pidermolysis bullosa simplex 5A, Ogna type; EPIDERMOLYSIS BULLOSA SIMPLEX 5A, OGNA TYPE. Identifiers: Orphanet 79401, MedGen C0432317, MONDO:0007555, OMIM 131950.
Epidermolysis bullosa simplex with nail dystrophy (EBS5D). Identifiers: MedGen C4225309, MONDO:0014661, OMIM 616487.
Epidermolysis bullosa simplex 5C, with pyloric atresia (EBS5C). Also called: PLEC-Related Epidermolysis Bullosa with Pyloric Atresia; Epidermolysis bullosa simplex with pyloric atresia; PLEC1-Related Epidermolysis Bullosa with Pyloric Atresia. Identifiers: Orphanet 158684, MedGen C2677349, MONDO:0012807, OMIM 612138.
Epidermolysis bullosa simplex 5B, with muscular dystrophy (EBS5B). Also called: EPIDERMOLYSIS BULLOSA SIMPLEX AND LIMB-GIRDLE MUSCULAR DYSTROPHY; Epidermolysis bullosa simplex with muscular dystrophy. Identifiers: Orphanet 257, MedGen C2931072, MONDO:0009181, OMIM 226670.
Inborn genetic diseases. Identifiers: MedGen C0950123, MeSH D030342.

Allele frequency attached by ClinVar (database versions not stated): gnomAD 0.00006 and 0.00007; gnomAD exomes 0.00010; TOPMed 0.00010; ExAC 0.00013; 1000 Genomes Project 30x 0.00016; 1000 Genomes Project 0.00020.
gnomAD v4.1: 132 of 1,593,912 alleles (0.0083%); highest among the groups gnomAD compares: East Asian, 0.18%; no homozygotes.

Submissions (7):

PreventionGenetics, part of Exact Sciences
Classification: Uncertain significance for PLEC-related condition. Last evaluated: 2026-03-26. Review status: criteria provided, single submitter. Criteria: ACMG Guidelines, 2015. Collection method: clinical testing. Allele origin: germline.
Comment: The PLEC c.11722C>T variant is predicted to result in the amino acid substitution p.Arg3908Cys. To our knowledge, this variant has not been reported in the literature. This variant is reported in 0.037% of alleles in individuals of East Asian descent in gnomAD. At this time, the clinical significance of this variant is uncertain due to the absence of conclusive functional and genetic evidence.

Blueprint Genetics
Classification: Likely benign. Last evaluated: 2024-11-06. Review status: criteria provided, single submitter. Criteria: ACMG Guidelines, 2015. Collection method: clinical testing. Allele origin: germline.

Labcorp Genetics (formerly Invitae), Labcorp
Classification: Uncertain significance for Autosomal recessive limb-girdle muscular dystrophy type 2Q; Epidermolysis bullosa simplex, Ogna type; Epidermolysis bullosa simplex with nail dystrophy; Epidermolysis bullosa simplex 5C, with pyloric atresia; Epidermolysis bullosa simplex 5B, with muscular dystrophy. Last evaluated: 2024-06-23. Review status: criteria provided, single submitter. Criteria: Invitae Variant Classification Sherloc (09022015). Collection method: clinical testing. Allele origin: germline.
Comment: This sequence change replaces arginine, which is basic and polar, with cysteine, which is neutral and slightly polar, at codon 3908 of the PLEC protein (p.Arg3908Cys). This variant is present in population databases (rs577333649, gnomAD 0.03%). This variant has not been reported in the literature in individuals affected with PLEC-related conditions. ClinVar contains an entry for this variant (Variation ID: 863281). Advanced modeling of protein sequence and biophysical properties (such as structural, functional, and spatial information, amino acid conservation, physicochemical variation, residue mobility, and thermodynamic stability) performed at Invitae indicates that this missense variant is not expected to disrupt PLEC protein function with a negative predictive value of 80%. In summary, the available evidence is currently insufficient to determine the role of this variant in disease. Therefore, it has been classified as a Variant of Uncertain Significance.

Fulgent Genetics
Classification: Uncertain significance for Epidermolysis bullosa simplex, Ogna type; Epidermolysis bullosa simplex 5B, with muscular dystrophy; Epidermolysis bullosa simplex 5C, with pyloric atresia; Autosomal recessive limb-girdle muscular dystrophy type 2Q; Epidermolysis bullosa simplex with nail dystrophy. Last evaluated: 2024-06-12. Review status: criteria provided, single submitter. Criteria: ACMG Guidelines, 2015. Collection method: clinical testing. Allele origin: germline.

GeneDx
Classification: Uncertain significance. Last evaluated: 2024-01-05. Review status: criteria provided, single submitter. Criteria: GeneDx Variant Classification Process June 2021. Collection method: clinical testing. Allele origin: germline. Affected: yes.
Comment: Has not been previously published as pathogenic or benign to our knowledge; In silico analysis supports that this missense variant has a deleterious effect on protein structure/function; Missense variant in a gene in which most reported pathogenic variants are truncating/loss of function

Revvity Omics, Revvity
Classification: Uncertain significance. Last evaluated: 2023-06-07. Review status: criteria provided, single submitter. Criteria: ACMG Guidelines, 2015. Collection method: clinical testing. Allele origin: germline.

Ambry Genetics
Classification: Uncertain significance for Inborn genetic diseases. Last evaluated: 2021-07-13. Review status: criteria provided, single submitter. Criteria: Ambry Variant Classification Scheme 2023. Collection method: clinical testing. Allele origin: germline.